The following is an entry in ClinVar:

NM_001130438.3(SPTAN1):c.4527C>A (p.Asp1509Glu)

Gene: SPTAN1 (spectrin alpha, non-erythrocytic 1; plus strand). Cytogenetic location: 9q34.11.
Variant type: single nucleotide variant.
Coding change: c.4527C>A on transcript NM_001130438.3 (MANE Select); coding-DNA position 4527, C replaced by A.
Protein change: p.Asp1509Glu; replaces aspartic acid 1509 with glutamic acid.
Molecular consequence: missense variant.
Genome position (GRCh38, 1-based): chr9:128,608,909, C>A. VCF-style: chr9-128608909-C-A. GRCh37 (hg19) VCF-style: chr9-131371188-C-A.
Other names: p.D1509E:GAC>GAA; c.4467C>A, p.Asp1489Glu (NM_001195532.2, NM_001363765.2); c.4527C>A, p.Asp1509Glu (NM_001363759.2, NM_003127.4); short protein forms D1509E, D1489E.
Identifiers: ClinVar variation 207292 (VCV000207292.16), dbSNP rs139113273, ClinGen allele CA318620.

ClinVar aggregate classification (germline): Conflicting classifications of pathogenicity. Review status: criteria provided, conflicting classifications (1 of 4 stars). 4 submissions from 4 submitters: Uncertain significance (1); Likely benign (3). Last evaluated 2026-01-28.

Conditions:
Developmental and epileptic encephalopathy, 5 (DEE5). Identifiers: Orphanet 3451, MedGen C3150731, MONDO:0013277, OMIM 613477.
Early-infantile DEE. Also called: Ohtahara syndrome; Early infantile epileptic encephalopathy; Early infantile epileptic encephalopathy with suppression bursts. Identifiers: Orphanet 1934, MedGen C0393706, MONDO:0800491.
Inborn genetic diseases. Identifiers: MedGen C0950123, MeSH D030342.

Allele frequency attached by ClinVar (database versions not stated): ExAC 0.00002; gnomAD exomes 0.00002; ESP Exome Variant Server 0.00008; TOPMed 0.00008; gnomAD 0.00011 and 0.00012.
gnomAD v4.1: 25 of 1,614,094 alleles (0.0015%); highest among the groups gnomAD compares: African/African-American, 0.029%; no homozygotes.

Submissions (4):

Labcorp Genetics (formerly Invitae), Labcorp
Classification: Uncertain significance for Early-infantile DEE. Last evaluated: 2026-01-28. Review status: criteria provided, single submitter. Criteria: Invitae Variant Classification Sherloc (09022015). Collection method: clinical testing. Allele origin: germline.
Comment: This sequence change replaces aspartic acid, which is acidic and polar, with glutamic acid, which is acidic and polar, at codon 1509 of the SPTAN1 protein (p.Asp1509Glu). This variant is present in population databases (rs139113273, gnomAD 0.03%). This variant has not been reported in the literature in individuals affected with SPTAN1-related conditions. ClinVar contains an entry for this variant (Variation ID: 207292). Invitae Evidence Modeling of protein sequence and biophysical properties (such as structural, functional, and spatial information, amino acid conservation, physicochemical variation, residue mobility, and thermodynamic stability) has been performed for this missense variant. However, the output from this modeling did not meet the statistical confidence thresholds required to predict the impact of this variant on SPTAN1 protein function. In summary, the available evidence is currently insufficient to determine the role of this variant in disease. Therefore, it has been classified as a Variant of Uncertain Significance.

Ambry Genetics
Classification: Likely benign for Inborn genetic diseases. Last evaluated: 2025-07-31. Review status: criteria provided, single submitter. Criteria: Ambry Variant Classification Scheme 2023. Collection method: clinical testing. Allele origin: germline.

Genome-Nilou Lab
Classification: Likely benign for Developmental and epileptic encephalopathy, 5. Last evaluated: 2021-07-15. Review status: criteria provided, single submitter. Criteria: ACMG Guidelines, 2015. Collection method: clinical testing. Allele origin: germline. Affected: no.

GeneDx
Classification: Likely benign. Last evaluated: 2020-12-17. Review status: criteria provided, single submitter. Criteria: GeneDx Variant Classification Process June 2021. Collection method: clinical testing. Allele origin: germline. Affected: yes.